The following is an entry in ClinVar:

NM_001365536.1(SCN9A):c.1314+4C>T

Genes: SCN1A-AS1 (SCN1A and SCN9A antisense RNA 1; plus strand), SCN9A (sodium voltage-gated channel alpha subunit 9; minus strand). Cytogenetic location: 2q24.3.
Variant type: single nucleotide variant.
Coding change: c.1314+4C>T on transcript NM_001365536.1 (MANE Select); 4 bases into the intron after coding-DNA position 1314, C replaced by T.
Molecular consequence: intron variant.
Genome position (GRCh38, 1-based): chr2:166,288,433, G>A on the plus strand (C>T on the coding strand, the complement: SCN9A is on the minus strand). VCF-style: chr2-166288433-G-A. GRCh37 (hg19) VCF-style: chr2-167144943-G-A.
Other names: p.?; c.1314+4C>T (NM_002977.4).
Identifiers: ClinVar variation 1163802 (VCV001163802.6), dbSNP rs1005102263, ClinGen allele CA59802153.

ClinVar aggregate classification (germline): Likely benign (1 of 4 stars; one submission).

Allele frequency attached by ClinVar (database versions not stated): gnomAD exomes below 0.00001.
gnomAD v4.1: 2 of 1,603,206 alleles (0.00012%); highest among the groups gnomAD compares: Non-Finnish European, 0.00017%; no homozygotes.

Submission:

Mayo Clinic Laboratories, Mayo Clinic
Classification: Likely benign. Last evaluated: 2025-03-03. Review status: criteria provided, single submitter. Criteria: ACMG Guidelines, 2015. Collection method: clinical testing. Allele origin: germline. Observed: 2 variant alleles.
Comment: BP4, BP7